The following is an entry in ClinVar:

NM_000719.7(CACNA1C):c.1328A>G (p.Gln443Arg)

Gene: CACNA1C (calcium voltage-gated channel subunit alpha1 C; plus strand). Cytogenetic location: 12p13.33.
Variant type: single nucleotide variant.
Coding change: c.1328A>G on transcript NM_000719.7 (MANE Select); coding-DNA position 1328, A replaced by G.
Protein change: p.Gln443Arg; replaces glutamine 443 with arginine.
Molecular consequence: missense variant.
Genome position (GRCh38, 1-based): chr12:2,512,922, A>G. VCF-style: chr12-2512922-A-G. GRCh37 (hg19) VCF-style: chr12-2622088-A-G.
Other names: c.1328A>G, p.Gln443Arg (NM_001129827.2, NM_001129829.2, NM_001129839.2 and 18 more transcripts); c.1319A>G, p.Gln440Arg (NM_001129844.2); short protein forms Q440R, Q443R.
Identifiers: ClinVar variation 5018956 (VCV005018956.2).
Genomic context (GRCh38, chr12:2,512,922, plus strand): 5'-AGCTGCGGGAGAAGCAGCAGCTAGAAGAGGATCTCAAAGGCTACCTGGATTGGATCACTC[A>G]GGCCGAAGACATCGATCCTGAGAATGAGGACGAAGGCATGGATGAGGAGAAGCCCCGAAA-3'
Protein context (NP_000710.5, residues 433-453): DLKGYLDWIT[Gln443Arg]AEDIDPENED

ClinVar aggregate classification (germline): Uncertain significance (1 of 4 stars; one submission).

Conditions:
Neurodevelopmental disorder with hypotonia, language delay, and skeletal defects with or without seizures (NEDHLSS). Identifiers: MedGen C5774213, MONDO:0859286, OMIM 620029.
Long QT syndrome 8. Identifiers: MedGen CN260585, MONDO:0032756, OMIM 618447.
Timothy syndrome (TS). Also called: LONG QT SYNDROME WITH SYNDACTYLY. Identifiers: Orphanet 65283, MedGen C1832916, MeSH C536962, MONDO:0010979, OMIM 601005.
Brugada syndrome 3 (BRGDA3). Identifiers: Orphanet 130, MedGen C2678478, MONDO:0012742, OMIM 611875.

Submission:

Juno Genomics, Hangzhou Juno Genomics, Inc
Classification: Uncertain significance for Brugada syndrome 3; Long QT syndrome 8; Neurodevelopmental disorder with hypotonia, language delay, and skeletal defects with or without seizures; Timothy syndrome. Review status: criteria provided, single submitter. Criteria: ACMG Guidelines, 2015. Collection method: clinical testing. Allele origin: germline.
Comment: Absent from controls (or at extremely low frequency if recessive) in Genome Aggregation Database.;Missense variant in a gene that has a low rate of benign missense variation.;Multiple lines of computational evidence support a deleterious effect on the gene or gene product.